The following is an entry in ClinVar:

NM_001378120.1(MBD5):c.4669A>G (p.Ser1557Gly)

Gene: MBD5 (methyl-CpG binding domain protein 5; plus strand). Cytogenetic location: 2q23.1.
Variant type: single nucleotide variant.
Coding change: c.4669A>G on transcript NM_001378120.1 (MANE Select); coding-DNA position 4669, A replaced by G.
Protein change: p.Ser1557Gly; replaces serine 1557 with glycine.
Molecular consequence: missense variant.
Genome position (GRCh38, 1-based): chr2:148,490,301, A>G. VCF-style: chr2-148490301-A-G. GRCh37 (hg19) VCF-style: chr2-149247870-A-G.
Other names: c.3970A>G, p.Ser1324Gly (NM_018328.5); short protein forms S1324G, S1557G.
Identifiers: ClinVar variation 2857886 (VCV002857886.4), dbSNP rs2470029002, ClinGen allele CA348730080.

ClinVar aggregate classification (germline): Uncertain significance. Review status: criteria provided, multiple submitters, no conflicts (2 of 4 stars). 2 submissions from 2 submitters: Uncertain significance (2). Last evaluated 2025-06-04.

Conditions:
Intellectual developmental disorder, autosomal dominant 1. Also called: MBD5 Haploinsufficiency; Intellectual disability, autosomal dominant 1. Identifiers: Orphanet 228402, MedGen C1969562, MONDO:0007974, OMIM 156200.

Submissions (2):

Women's Health and Genetics/Laboratory Corporation of America, LabCorp
Classification: Uncertain significance. Last evaluated: 2025-06-04. Review status: criteria provided, single submitter. Criteria: LabCorp Variant Classification Summary - May 2015. Collection method: clinical testing. Allele origin: germline.
Comment: Variant summary: MBD5 c.3970A>G (p.Ser1324Gly) results in a non-conservative amino acid change in the encoded protein sequence. Algorithms developed to predict the effect of missense changes on protein structure and function are either unavailable or do not agree on the potential impact of this missense change. The variant was absent in 251330 control chromosomes. The available data on variant occurrences in the general population are insufficient to allow any conclusion about variant significance. To our knowledge, no occurrence of c.3970A>G in individuals affected with MBD5 Associated Neurodevelopmental Disorder and no experimental evidence demonstrating its impact on protein function have been reported. ClinVar contains an entry for this variant (Variation ID: 2857886). Based on the evidence outlined above, the variant was classified as uncertain significance.

Labcorp Genetics (formerly Invitae), Labcorp
Classification: Uncertain significance for Intellectual developmental disorder, autosomal dominant 1. Last evaluated: 2024-02-13. Review status: criteria provided, single submitter. Criteria: Invitae Variant Classification Sherloc (09022015). Collection method: clinical testing. Allele origin: germline.
Comment: This sequence change replaces serine, which is neutral and polar, with glycine, which is neutral and non-polar, at codon 1324 of the MBD5 protein (p.Ser1324Gly). This variant is not present in population databases (gnomAD no frequency). This variant has not been reported in the literature in individuals affected with MBD5-related conditions. Experimental studies and prediction algorithms are not available or were not evaluated, and the functional significance of this variant is currently unknown. In summary, the available evidence is currently insufficient to determine the role of this variant in disease. Therefore, it has been classified as a Variant of Uncertain Significance.